The following is an entry in ClinVar:

ClinVar aggregate classification (germline): Uncertain significance (1 of 4 stars; one submission).

Conditions:
Charcot-Marie-Tooth disease axonal type 2O. Also called: CHARCOT-MARIE-TOOTH NEUROPATHY, AXONAL, TYPE 2O; CHARCOT-MARIE-TOOTH DISEASE, AXONAL, AUTOSOMAL DOMINANT, TYPE 2O; Charcot-Marie-Tooth disease, axonal, type 20; Charcot-Marie-Tooth Neuropathy Type 2O. Identifiers: Orphanet 284232, MedGen C3280220, MONDO:0013644, OMIM 614228.

Submission:

Labcorp Genetics (formerly Invitae), Labcorp
Classification: Uncertain significance for Charcot-Marie-Tooth disease axonal type 2O. Last evaluated: 2022-06-13. Review status: criteria provided, single submitter. Criteria: Invitae Variant Classification Sherloc (09022015). Collection method: clinical testing. Allele origin: germline.
Comment: In summary, the available evidence is currently insufficient to determine the role of this variant in disease. Therefore, it has been classified as a Variant of Uncertain Significance. Advanced modeling of protein sequence and biophysical properties (such as structural, functional, and spatial information, amino acid conservation, physicochemical variation, residue mobility, and thermodynamic stability) performed at Invitae indicates that this missense variant is not expected to disrupt DYNC1H1 protein function. This variant has not been reported in the literature in individuals affected with DYNC1H1-related conditions. This variant is not present in population databases (gnomAD no frequency). This sequence change replaces leucine, which is neutral and non-polar, with valine, which is neutral and non-polar, at codon 1451 of the DYNC1H1 protein (p.Leu1451Val).

NM_001376.5(DYNC1H1):c.4351C>G (p.Leu1451Val)

Gene: DYNC1H1 (dynein cytoplasmic 1 heavy chain 1; plus strand). Cytogenetic location: 14q32.31.
Variant type: single nucleotide variant.
Coding change: c.4351C>G on transcript NM_001376.5 (MANE Select); coding-DNA position 4351, C replaced by G.
Protein change: p.Leu1451Val; replaces leucine 1451 with valine.
Molecular consequence: missense variant.
Genome position (GRCh38, 1-based): chr14:102,001,310, C>G. VCF-style: chr14-102001310-C-G. GRCh37 (hg19) VCF-style: chr14-102467647-C-G.
Other names: short protein forms L1451V.
Identifiers: ClinVar variation 2006006 (VCV002006006.4), dbSNP rs1487315030, ClinGen allele CA391041963.